The following is an entry in ClinVar:

NM_014994.3(MAPKBP1):c.2648C>T (p.Ser883Leu)

Gene: MAPKBP1 (mitogen-activated protein kinase binding protein 1; plus strand). Cytogenetic location: 15q15.1.
Variant type: single nucleotide variant.
Coding change: c.2648C>T on transcript NM_014994.3 (MANE Select); coding-DNA position 2648, C replaced by T.
Protein change: p.Ser883Leu; replaces serine 883 with leucine.
Molecular consequence: missense variant. On other transcripts: non-coding transcript variant (2).
Genome position (GRCh38, 1-based): chr15:41,820,998, C>T. VCF-style: chr15-41820998-C-T. GRCh37 (hg19) VCF-style: chr15-42113196-C-T.
Other names: p.Ser889Leu; c.2666C>T, p.Ser889Leu (NM_001128608.2); c.2648C>T, p.Ser883Leu (NM_001265611.2); short protein forms S889L, S883L.
Identifiers: ClinVar variation 777440 (VCV000777440.12), dbSNP rs61729965, ClinGen allele CA7498329.

ClinVar aggregate classification (germline): Benign. Review status: criteria provided, multiple submitters, no conflicts (2 of 4 stars). 3 submissions from 3 submitters: Benign (3). Last evaluated 2026-01-25.

Allele frequency attached by ClinVar (database versions not stated): gnomAD exomes 0.00065 and 0.00175; ExAC 0.00194; gnomAD 0.00512 and 0.00545; ESP Exome Variant Server 0.00577; TOPMed 0.00583; 1000 Genomes Project 30x 0.00687; 1000 Genomes Project 0.00719.
gnomAD v4.1: 1,781 of 1,614,166 alleles (0.11%); highest among the groups gnomAD compares: African/African-American, 1.7%; 14 homozygotes.

Submissions (3):

Labcorp Genetics (formerly Invitae), Labcorp
Classification: Benign. Last evaluated: 2026-01-25. Review status: criteria provided, single submitter. Criteria: Invitae Variant Classification Sherloc (09022015). Collection method: clinical testing. Allele origin: germline.

Mayo Clinic Laboratories, Mayo Clinic
Classification: Benign. Last evaluated: 2024-06-14. Review status: criteria provided, single submitter. Criteria: ACMG Guidelines, 2015. Collection method: clinical testing. Allele origin: germline. Observed: 3 variant alleles.
Comment: BS1, BS2, BP4

Breakthrough Genomics
Classification: Benign. Review status: criteria provided, single submitter. Criteria: ACMG Guidelines, 2015. Collection method: not provided. Allele origin: germline. Inheritance: Autosomal recessive inheritance. Affected: yes.